The following is an entry in ClinVar:

ClinVar aggregate classification (germline): Likely pathogenic (1 of 4 stars; one submission).

Submission:

Labcorp Genetics (formerly Invitae), Labcorp
Classification: Likely pathogenic. Last evaluated: 2023-11-08. Review status: criteria provided, single submitter. Criteria: Invitae Variant Classification Sherloc (09022015). Collection method: clinical testing. Allele origin: germline.
Comment: This sequence change affects an acceptor splice site in intron 48 of the ABCA1 gene. It is expected to disrupt RNA splicing. Variants that disrupt the donor or acceptor splice site typically lead to a loss of protein function (PMID: 16199547), and loss-of-function variants in ABCA1 are known to be pathogenic (PMID: 10525055, 10760292, 20880529). This variant is not present in population databases (gnomAD no frequency). Disruption of this splice site has been observed in individual(s) with clinical features of autosomal recessive Tangier disease (Invitae). Algorithms developed to predict the effect of sequence changes on RNA splicing suggest that this variant may disrupt the consensus splice site. In summary, the currently available evidence indicates that the variant is pathogenic, but additional data are needed to prove that conclusively. Therefore, this variant has been classified as Likely Pathogenic.

Literature cited by the submitters: PubMed 16199547; PubMed 10525055; PubMed 10760292; PubMed 20880529.

NM_005502.4(ABCA1):c.6402-2A>G

Genes: ABCA1 (ATP binding cassette subfamily A member 1; minus strand), NIPSNAP3B (nipsnap homolog 3B; plus strand). Cytogenetic location: 9q31.1.
Variant type: single nucleotide variant.
Coding change: c.6402-2A>G on transcript NM_005502.4 (MANE Select); the canonical splice acceptor site of the intron before coding-DNA position 6402, A replaced by G.
Molecular consequence: splice acceptor variant.
Genome position (GRCh38, 1-based): chr9:104,785,641, T>C on the plus strand (A>G on the coding strand, the complement: ABCA1 is on the minus strand). VCF-style: chr9-104785641-T-C. GRCh37 (hg19) VCF-style: chr9-107547922-T-C.
Identifiers: ClinVar variation 2976199 (VCV002976199.3), dbSNP rs2538029549, ClinGen allele CA374311803.